The following is an entry in ClinVar:

ClinVar aggregate classification (germline): Uncertain significance (1 of 4 stars; one submission).

Conditions:
Hereditary cancer-predisposing syndrome. Also called: Hereditary Cancer Syndrome; Hereditary neoplastic syndrome; Neoplastic Syndromes, Hereditary; Tumor predisposition. Identifiers: Orphanet 140162, MedGen C0027672, MeSH D009386, MONDO:0015356.

Submission:

Ambry Genetics
Classification: Uncertain significance for Hereditary cancer-predisposing syndrome. Last evaluated: 2025-04-12. Review status: criteria provided, single submitter. Criteria: Ambry Variant Classification Scheme 2023. Collection method: clinical testing. Allele origin: germline.
Comment: The p.E657D variant (also known as c.1971G>C), located in coding exon 5 of the PALB2 gene, results from a G to C substitution at nucleotide position 1971. The glutamic acid at codon 657 is replaced by aspartic acid, an amino acid with highly similar properties. This amino acid position is conserved. In addition, this alteration is predicted to be tolerated by in silico analysis. Based on the available evidence, the clinical significance of this variant remains unclear.

NM_024675.4(PALB2):c.1971G>C (p.Glu657Asp)

Gene: PALB2 (partner and localizer of BRCA2; minus strand). Cytogenetic location: 16p12.2.
Variant type: single nucleotide variant.
Coding change: c.1971G>C on transcript NM_024675.4 (MANE Select); coding-DNA position 1971, G replaced by C.
Protein change: p.Glu657Asp; replaces glutamic acid 657 with aspartic acid.
Molecular consequence: missense variant. On other transcripts: intron variant (1).
Genome position (GRCh38, 1-based): chr16:23,630,183, C>G on the plus strand (G>C on the coding strand, the complement: PALB2 is on the minus strand). VCF-style: chr16-23630183-C-G. GRCh37 (hg19) VCF-style: chr16-23641504-C-G.
Other names: c.49-908G>C (NM_001407314.1); c.1086G>C, p.Glu362Asp (NM_001407309.1, NM_001407308.1, NM_001407310.1 and 5 more transcripts); c.183G>C, p.Glu61Asp (NM_001407313.1, NM_001407312.1); c.1911G>C, p.Glu637Asp (NM_001407296.1); c.1971G>C, p.Glu657Asp (NM_001407297.1, NM_001407298.1, NM_001407299.1 and 3 more transcripts); short protein forms E61D, E657D, E362D, E637D.
Identifiers: ClinVar variation 3927434 (VCV003927434.1).